The following is an entry in ClinVar:

NM_004655.4(AXIN2):c.630G>A (p.Met210Ile)

Gene: AXIN2 (axin 2; minus strand). Cytogenetic location: 17q24.1.
Variant type: single nucleotide variant.
Coding change: c.630G>A on transcript NM_004655.4 (MANE Select); coding-DNA position 630, G replaced by A.
Protein change: p.Met210Ile; replaces methionine 210 with isoleucine.
Molecular consequence: missense variant.
Genome position (GRCh38, 1-based): chr17:65,557,991, C>T on the plus strand (G>A on the coding strand, the complement: AXIN2 is on the minus strand). VCF-style: chr17-65557991-C-T. GRCh37 (hg19) VCF-style: chr17-63554109-C-T.
Other names: c.630G>A, p.Met210Ile (NM_001363813.1); short protein forms M210I.
Identifiers: ClinVar variation 1364658 (VCV001364658.11), dbSNP rs756185275, ClinGen allele CA400680612.

ClinVar aggregate classification (germline): Conflicting classifications of pathogenicity. Review status: criteria provided, conflicting classifications (1 of 4 stars). 2 submissions from 2 submitters: Uncertain significance (1); Likely benign (1). Last evaluated 2025-06-17.

Conditions:
Hereditary cancer-predisposing syndrome. Also called: Neoplastic Syndromes, Hereditary; Tumor predisposition; Hereditary neoplastic syndrome; Hereditary Cancer Syndrome. Identifiers: Orphanet 140162, MedGen C0027672, MeSH D009386, MONDO:0015356.
Oligodontia-cancer predisposition syndrome. Also called: TOOTH AGENESIS-COLORECTAL CANCER SYNDROME. Identifiers: Orphanet 300576, MedGen C1837750, MONDO:0012075, OMIM 608615. Disease mechanism: loss of function.

Submissions (2):

Ambry Genetics
Classification: Likely benign for Hereditary cancer-predisposing syndrome. Last evaluated: 2025-06-17. Review status: criteria provided, single submitter. Criteria: Ambry Variant Classification Scheme 2023. Collection method: clinical testing. Allele origin: germline.

Labcorp Genetics (formerly Invitae), Labcorp
Classification: Uncertain significance for Oligodontia-cancer predisposition syndrome. Last evaluated: 2021-01-13. Review status: criteria provided, single submitter. Criteria: Invitae Variant Classification Sherloc (09022015). Collection method: clinical testing. Allele origin: germline.
Comment: Algorithms developed to predict the effect of missense changes on protein structure and function output the following: SIFT: "Tolerated"; PolyPhen-2: "Benign"; Align-GVGD: "Class C0". The isoleucine amino acid residue is found in multiple mammalian species, suggesting that this missense change does not adversely affect protein function. These predictions have not been confirmed by published functional studies and their clinical significance is uncertain. This sequence change replaces methionine with isoleucine at codon 210 of the AXIN2 protein (p.Met210Ile). The methionine residue is moderately conserved and there is a small physicochemical difference between methionine and isoleucine. This variant is not present in population databases (ExAC no frequency). This variant has not been reported in the literature in individuals with AXIN2-related conditions. In summary, the available evidence is currently insufficient to determine the role of this variant in disease. Therefore, it has been classified as a Variant of Uncertain Significance.